The following is an entry in ClinVar:

ClinVar aggregate classification (germline): Uncertain significance (1 of 4 stars; one submission).

Submission:

Labcorp Genetics (formerly Invitae), Labcorp
Classification: Uncertain significance. Last evaluated: 2024-03-01. Review status: criteria provided, single submitter. Criteria: Invitae Variant Classification Sherloc (09022015). Collection method: clinical testing. Allele origin: germline.
Comment: This sequence change creates a premature translational stop signal (p.Cys217*) in the UMOD gene. It is expected to result in an absent or disrupted protein product. However, the current clinical and genetic evidence is not sufficient to establish whether loss-of-function variants in UMOD cause disease. This variant is not present in population databases (gnomAD no frequency). This variant has not been reported in the literature in individuals affected with UMOD-related conditions. In summary, the available evidence is currently insufficient to determine the role of this variant in disease. Therefore, it has been classified as a Variant of Uncertain Significance.

NM_003361.4(UMOD):c.651C>A (p.Cys217Ter)

Gene: UMOD (uromodulin; minus strand). Cytogenetic location: 16p12.3.
Variant type: single nucleotide variant.
Coding change: c.651C>A on transcript NM_003361.4 (MANE Select); coding-DNA position 651, C replaced by A.
Protein change: p.Cys217Ter; replaces cysteine 217 with a stop codon.
Molecular consequence: nonsense. On other transcripts: non-coding transcript variant (1).
Genome position (GRCh38, 1-based): chr16:20,348,650, G>T on the plus strand (C>A on the coding strand, the complement: UMOD is on the minus strand). VCF-style: chr16-20348650-G-T. GRCh37 (hg19) VCF-style: chr16-20359972-G-T.
Other names: c.651C>A, p.Cys217Ter (NM_001008389.3, NM_001378232.1, NM_001378233.1 and 3 more transcripts); c.750C>A, p.Cys250Ter (NM_001278614.2); short protein forms C217*, C250*.
Identifiers: ClinVar variation 3643990 (VCV003643990.2).